The following is an entry in ClinVar:

NM_005120.3(MED12):c.3069C>G (p.Ile1023Met)

Gene: MED12 (mediator complex subunit 12; plus strand). Cytogenetic location: Xq13.1.
Variant type: single nucleotide variant.
Coding change: c.3069C>G on transcript NM_005120.3 (MANE Select); coding-DNA position 3069, C replaced by G.
Protein change: p.Ile1023Met; replaces isoleucine 1023 with methionine.
Molecular consequence: missense variant.
Genome position (GRCh38, 1-based): chrX:71,127,980, C>G. VCF-style: chrX-71127980-C-G. GRCh37 (hg19) VCF-style: chrX-70347830-C-G.
Other names: short protein forms I1023M.
Identifiers: ClinVar variation 1485357 (VCV001485357.8), dbSNP rs753751305, ClinGen allele CA413517273.
Genomic context (GRCh38, chrX:71,127,980, plus strand): 5'-CATCTACTGCAACGTGGAGCCATCGGAATCAAATATGCGCTGGGCACCTGAGTTCATGAT[C>G]GACACTCTAGAGAACCCTGCAGCTCACACCTTCACCTACACGGGGCTAGGCAAGAGTCTT-3'
Protein context (NP_005111.2, residues 1013-1033): SNMRWAPEFM[Ile1023Met]DTLENPAAHT

ClinVar aggregate classification (germline): Uncertain significance (1 of 4 stars; one submission).

Conditions:
FG syndrome (FGS). Identifiers: MedGen C0220769, MONDO:0002010.

gnomAD v4.1: 1 of 1,210,796 alleles (0.000083%); highest among the groups gnomAD compares: East Asian, 0.003%; no homozygotes.

Submission:

Labcorp Genetics (formerly Invitae), Labcorp
Classification: Uncertain significance for FG syndrome. Last evaluated: 2025-08-06. Review status: criteria provided, single submitter. Criteria: Invitae Variant Classification Sherloc (09022015). Collection method: clinical testing. Allele origin: germline.
Comment: This sequence change replaces isoleucine, which is neutral and non-polar, with methionine, which is neutral and non-polar, at codon 1023 of the MED12 protein (p.Ile1023Met). This variant is not present in population databases (gnomAD no frequency). This variant has not been reported in the literature in individuals affected with MED12-related conditions. ClinVar contains an entry for this variant (Variation ID: 1485357). Invitae Evidence Modeling of protein sequence and biophysical properties (such as structural, functional, and spatial information, amino acid conservation, physicochemical variation, residue mobility, and thermodynamic stability) indicates that this missense variant is not expected to disrupt MED12 protein function with a negative predictive value of 95%. In summary, the available evidence is currently insufficient to determine the role of this variant in disease. Therefore, it has been classified as a Variant of Uncertain Significance.